The following is an entry in ClinVar:

ClinVar aggregate classification (germline): Uncertain significance (1 of 4 stars; one submission).

Submission:

Labcorp Genetics (formerly Invitae), Labcorp
Classification: Uncertain significance. Last evaluated: 2022-10-13. Review status: criteria provided, single submitter. Criteria: Invitae Variant Classification Sherloc (09022015). Collection method: clinical testing. Allele origin: germline.
Comment: This sequence change replaces proline, which is neutral and non-polar, with valine, which is neutral and non-polar, at codon 982 of the DUOX2 protein (p.Pro982Val). This variant is present in population databases (no rsID available, gnomAD 0.1%). This variant has not been reported in the literature in individuals affected with DUOX2-related conditions. Algorithms developed to predict the effect of missense changes on protein structure and function are either unavailable or do not agree on the potential impact of this missense change (SIFT: "Not Available"; PolyPhen-2: "Benign"; Align-GVGD: "Not Available"). In summary, the available evidence is currently insufficient to determine the role of this variant in disease. Therefore, it has been classified as a Variant of Uncertain Significance.

NM_001363711.2(DUOX2):c.2944_2945delinsGT (p.Pro982Val)

Gene: DUOX2 (dual oxidase 2; minus strand). Cytogenetic location: 15q21.1.
Variant type: Indel.
Coding change: c.2944_2945delinsGT on transcript NM_001363711.2 (MANE Select); coding-DNA positions 2944 to 2945, CC replaced by GT.
Protein change: p.Pro982Val; replaces proline 982 with valine.
Molecular consequence: missense variant.
Genome position (GRCh38, 1-based): chr15:45,100,815-45,100,816, GG replaced by AC on the plus strand (CC replaced by GT on the coding strand, the reverse complement: DUOX2 is on the minus strand). VCF-style: chr15-45100815-GG-AC. GRCh37 (hg19) VCF-style: chr15-45393013-GG-AC.
Other names: c.2944_2945delinsGT, p.Pro982Val (NM_014080.5); short protein forms P982V.
Identifiers: ClinVar variation 1961870 (VCV001961870.2), dbSNP rs2504753471, ClinGen allele CA2580089506.